The following is an entry in ClinVar:

NM_000397.4(CYBB):c.772C>G (p.Pro258Ala)

Gene: CYBB (cytochrome b-245 beta chain; plus strand). Cytogenetic location: Xp21.1.
Variant type: single nucleotide variant.
Coding change: c.772C>G on transcript NM_000397.4 (MANE Select); coding-DNA position 772, C replaced by G.
Protein change: p.Pro258Ala; replaces proline 258 with alanine.
Molecular consequence: missense variant.
Genome position (GRCh38, 1-based): chrX:37,799,052, C>G. VCF-style: chrX-37799052-C-G. GRCh37 (hg19) VCF-style: chrX-37658305-C-G.
Other names: short protein forms P258A.
Identifiers: ClinVar variation 1505442 (VCV001505442.7), dbSNP rs1384465552, ClinGen allele CA412976687.

ClinVar aggregate classification (germline): Uncertain significance. Review status: criteria provided, multiple submitters, no conflicts (2 of 4 stars). 2 submissions from 2 submitters: Uncertain significance (2). Last evaluated 2022-04-20.

Conditions:
Granulomatous disease, chronic, X-linked. Also called: CYTOCHROME b-NEGATIVE GRANULOMATOUS DISEASE, CHRONIC, X-LINKED; GRANULOMATOUS DISEASE, CHRONIC, X-LINKED, SOMATIC MOSAIC. Identifiers: Orphanet 379, MedGen C1844376, MONDO:0010600, OMIM 306400.
X-linked Mendelian susceptibility to mycobacterial diseases due to CYBB deficiency. Also called: IMMUNODEFICIENCY 34; IMMUNODEFICIENCY 34, MYCOBACTERIOSIS, X-LINKED. Identifiers: Orphanet 319605, MedGen C1970859, MONDO:0010389, OMIM 300645.

Allele frequency attached by ClinVar (database versions not stated): TOPMed below 0.00001; gnomAD 0.00001.
gnomAD v4.1: 1 of 1,206,373 alleles (0.000083%); highest among the groups gnomAD compares: Non-Finnish European, 0.00011%; no homozygotes.

Submissions (2):

Labcorp Genetics (formerly Invitae), Labcorp
Classification: Uncertain significance for Granulomatous disease, chronic, X-linked. Last evaluated: 2022-04-20. Review status: criteria provided, single submitter. Criteria: Invitae Variant Classification Sherloc (09022015). Collection method: clinical testing. Allele origin: germline.
Comment: This sequence change replaces proline, which is neutral and non-polar, with alanine, which is neutral and non-polar, at codon 258 of the CYBB protein (p.Pro258Ala). This variant is not present in population databases (gnomAD no frequency). This variant has not been reported in the literature in individuals affected with CYBB-related conditions. Advanced modeling of protein sequence and biophysical properties (such as structural, functional, and spatial information, amino acid conservation, physicochemical variation, residue mobility, and thermodynamic stability) performed at Invitae indicates that this missense variant is not expected to disrupt CYBB protein function. In summary, the available evidence is currently insufficient to determine the role of this variant in disease. Therefore, it has been classified as a Variant of Uncertain Significance.

Fulgent Genetics
Classification: Uncertain significance for X-linked Mendelian susceptibility to mycobacterial diseases due to CYBB deficiency; Granulomatous disease, chronic, X-linked. Last evaluated: 2021-07-23. Review status: criteria provided, single submitter. Criteria: ACMG Guidelines, 2015. Collection method: clinical testing. Allele origin: unknown.